The following is an entry in ClinVar:

ClinVar aggregate classification (germline): Conflicting classifications of pathogenicity. Review status: criteria provided, conflicting classifications (1 of 4 stars). 3 submissions from 3 submitters: Uncertain significance (2); Likely benign (1). Last evaluated 2025-09-06.

Conditions:
Tuberous sclerosis 1 (TSC1). Identifiers: Orphanet 805, MedGen C1854465, MONDO:0008612, OMIM 191100.
Hereditary cancer-predisposing syndrome. Also called: Neoplastic Syndromes, Hereditary; Hereditary Cancer Syndrome; Hereditary neoplastic syndrome; Tumor predisposition. Identifiers: Orphanet 140162, MedGen C0027672, MeSH D009386, MONDO:0015356.
Tuberous sclerosis syndrome (TSC). Also called: Tuberous sclerosis; Tuberous Sclerosis Complex. Identifiers: Orphanet 805, MedGen C0041341, MONDO:0001734.

Allele frequency attached by ClinVar (database versions not stated): gnomAD exomes below 0.00001; TOPMed below 0.00001.
gnomAD v4.1: 2 of 1,614,126 alleles (0.00012%); highest among the groups gnomAD compares: Non-Finnish European, 0.000085%; no homozygotes.

Submissions (3):

Labcorp Genetics (formerly Invitae), Labcorp
Classification: Likely benign for Tuberous sclerosis 1. Last evaluated: 2025-09-06. Review status: criteria provided, single submitter. Criteria: Invitae Variant Classification Sherloc (09022015). Collection method: clinical testing. Allele origin: germline.

Ambry Genetics
Classification: Uncertain significance for Hereditary cancer-predisposing syndrome. Last evaluated: 2023-08-30. Review status: criteria provided, single submitter. Criteria: Ambry Variant Classification Scheme 2023. Collection method: clinical testing. Allele origin: germline.
Comment: The p.R228Q variant (also known as c.683G>A), located in coding exon 6 of the TSC1 gene, results from a G to A substitution at nucleotide position 683. The arginine at codon 228 is replaced by glutamine, an amino acid with highly similar properties. This amino acid position is conserved. In addition, this alteration is predicted to be deleterious by in silico analysis. Since supporting evidence is limited at this time, the clinical significance of this alteration remains unclear.

All of Us Research Program, National Institutes of Health
Classification: Uncertain significance for Tuberous sclerosis syndrome. Last evaluated: 2023-08-15. Review status: criteria provided, single submitter. Criteria: ACMG Guidelines, 2015. Collection method: clinical testing. Allele origin: germline. Inheritance: Autosomal dominant inheritance. Observed: 1 variant allele, 1 heterozygote.
Comment: This study involves interpretation of variants in research participants for the purpose of population health screening. Participant phenotype was not available at the time of variant classification. Additional details can be found in publication PMID: 35346344, PMCID: PMC8962531

NM_000368.5(TSC1):c.683G>A (p.Arg228Gln)

Gene: TSC1 (TSC complex subunit 1; minus strand). Cytogenetic location: 9q34.13.
Variant type: single nucleotide variant.
Coding change: c.683G>A on transcript NM_000368.5 (MANE Select); coding-DNA position 683, G replaced by A.
Protein change: p.Arg228Gln; replaces arginine 228 with glutamine.
Molecular consequence: missense variant.
Genome position (GRCh38, 1-based): chr9:132,921,417, C>T on the plus strand (G>A on the coding strand, the complement: TSC1 is on the minus strand). VCF-style: chr9-132921417-C-T. GRCh37 (hg19) VCF-style: chr9-135796804-C-T.
Other names: c.683G>A, p.Arg228Gln (NM_001162426.2); c.530G>A, p.Arg177Gln (NM_001162427.2); c.320G>A, p.Arg107Gln (NM_001362177.2); short protein forms R228Q, R107Q, R177Q.
Identifiers: ClinVar variation 642944 (VCV000642944.11), dbSNP rs1223799508, ClinGen allele CA375371452.